The following is an entry in ClinVar:

NM_004385.5(VCAN):c.2383G>A (p.Val795Ile)

Gene: VCAN (versican; plus strand). Cytogenetic location: 5q14.3.
Variant type: single nucleotide variant.
Coding change: c.2383G>A on transcript NM_004385.5 (MANE Select); coding-DNA position 2383, G replaced by A.
Protein change: p.Val795Ile; replaces valine 795 with isoleucine.
Molecular consequence: missense variant. On other transcripts: intron variant (2).
Genome position (GRCh38, 1-based): chr5:83,520,689, G>A. VCF-style: chr5-83520689-G-A. GRCh37 (hg19) VCF-style: chr5-82816508-G-A.
Other names: c.2383G>A, p.Val795Ile (NM_001164098.2); c.1042+8293G>A (NM_001164097.2, NM_001126336.3); short protein forms V795I.
Identifiers: ClinVar variation 1509638 (VCV001509638.6), dbSNP rs1746050569, ClinGen allele CA360303816.

ClinVar aggregate classification (germline): Uncertain significance (1 of 4 stars; one submission).

Allele frequency attached by ClinVar (database versions not stated): TOPMed below 0.00001.

Submission:

Labcorp Genetics (formerly Invitae), Labcorp
Classification: Uncertain significance. Last evaluated: 2022-08-16. Review status: criteria provided, single submitter. Criteria: Invitae Variant Classification Sherloc (09022015). Collection method: clinical testing. Allele origin: germline.
Comment: This sequence change replaces valine, which is neutral and non-polar, with isoleucine, which is neutral and non-polar, at codon 795 of the VCAN protein (p.Val795Ile). This variant is not present in population databases (gnomAD no frequency). In summary, the available evidence is currently insufficient to determine the role of this variant in disease. Therefore, it has been classified as a Variant of Uncertain Significance. Algorithms developed to predict the effect of missense changes on protein structure and function are either unavailable or do not agree on the potential impact of this missense change (SIFT: "Deleterious"; PolyPhen-2: "Benign"; Align-GVGD: "Class C25"). ClinVar contains an entry for this variant (Variation ID: 1509638). This variant has not been reported in the literature in individuals affected with VCAN-related conditions.